The following is an entry in ClinVar:

ClinVar aggregate classification (germline): Uncertain significance (1 of 4 stars; one submission).

Submission:

Labcorp Genetics (formerly Invitae), Labcorp
Classification: Uncertain significance. Last evaluated: 2023-11-10. Review status: criteria provided, single submitter. Criteria: Invitae Variant Classification Sherloc (09022015). Collection method: clinical testing. Allele origin: germline.
Comment: This sequence change replaces alanine, which is neutral and non-polar, with valine, which is neutral and non-polar, at codon 73 of the DNAJB11 protein (p.Ala73Val). This variant is not present in population databases (gnomAD no frequency). This variant has not been reported in the literature in individuals affected with DNAJB11-related conditions. Advanced modeling of protein sequence and biophysical properties (such as structural, functional, and spatial information, amino acid conservation, physicochemical variation, residue mobility, and thermodynamic stability) performed at Invitae indicates that this missense variant is expected to disrupt DNAJB11 protein function with a positive predictive value of 80%. In summary, the available evidence is currently insufficient to determine the role of this variant in disease. Therefore, it has been classified as a Variant of Uncertain Significance.

NM_016306.6(DNAJB11):c.218C>T (p.Ala73Val)

Gene: DNAJB11 (DnaJ heat shock protein family (Hsp40) member B11; plus strand). Cytogenetic location: 3q27.3.
Variant type: single nucleotide variant.
Coding change: c.218C>T on transcript NM_016306.6 (MANE Select); coding-DNA position 218, C replaced by T.
Protein change: p.Ala73Val; replaces alanine 73 with valine.
Molecular consequence: missense variant. On other transcripts: non-coding transcript variant (6).
Genome position (GRCh38, 1-based): chr3:186,572,244, C>T. VCF-style: chr3-186572244-C-T. GRCh37 (hg19) VCF-style: chr3-186290033-C-T.
Other names: c.218C>T, p.Ala73Val (NM_001378451.1); short protein forms A73V.
Identifiers: ClinVar variation 2693302 (VCV002693302.3), dbSNP rs2474556592, ClinGen allele CA355713262.